The following is an entry in ClinVar:

NM_004370.6(COL12A1):c.9076C>T (p.Pro3026Ser)

Gene: COL12A1 (collagen type XII alpha 1 chain; minus strand). Cytogenetic location: 6q13.
Variant type: single nucleotide variant.
Coding change: c.9076C>T on transcript NM_004370.6 (MANE Select); coding-DNA position 9076, C replaced by T.
Protein change: p.Pro3026Ser; replaces proline 3026 with serine.
Molecular consequence: missense variant.
Genome position (GRCh38, 1-based): chr6:75,087,682, G>A on the plus strand (C>T on the coding strand, the complement: COL12A1 is on the minus strand). VCF-style: chr6-75087682-G-A. GRCh37 (hg19) VCF-style: chr6-75797398-G-A.
Other names: c.5584C>T, p.Pro1862Ser (NM_080645.3); short protein forms P3026S, P1862S.
Identifiers: ClinVar variation 1040652 (VCV001040652.9), dbSNP rs376189614, ClinGen allele CA3892025.

ClinVar aggregate classification (germline): Uncertain significance (1 of 4 stars; one submission).

Conditions:
Ullrich congenital muscular dystrophy 2 (UCMD2). Identifiers: Orphanet 75840, MedGen C4225314, MONDO:0014654, OMIM 616470.
Bethlem myopathy 2 (BTHLM2). Identifiers: Orphanet 536516, Orphanet 610, MedGen C4225313, MONDO:0034022, OMIM 616471.

Allele frequency attached by ClinVar (database versions not stated): TOPMed 0.00001.
gnomAD v4.1: 12 of 1,609,598 alleles (0.00075%); highest among the groups gnomAD compares: East Asian, 0.013%; no homozygotes.

Submission:

Labcorp Genetics (formerly Invitae), Labcorp
Classification: Uncertain significance for Bethlem myopathy 2; Ullrich congenital muscular dystrophy 2. Last evaluated: 2025-08-25. Review status: criteria provided, single submitter. Criteria: Invitae Variant Classification Sherloc (09022015). Collection method: clinical testing. Allele origin: germline.
Comment: This sequence change replaces proline, which is neutral and non-polar, with serine, which is neutral and polar, at codon 3026 of the COL12A1 protein (p.Pro3026Ser). This variant is present in population databases (rs376189614, gnomAD 0.0009%). This variant has not been reported in the literature in individuals affected with COL12A1-related conditions. ClinVar contains an entry for this variant (Variation ID: 1040652). An algorithm developed to predict the effect of missense changes on protein structure and function (PolyPhen-2) suggests that this variant is likely to be disruptive. In summary, the available evidence is currently insufficient to determine the role of this variant in disease. Therefore, it has been classified as a Variant of Uncertain Significance.